The following is an entry in ClinVar:

NM_000751.3(CHRND):c.1530C>G (p.Asn510Lys)

Gene: CHRND (cholinergic receptor nicotinic delta subunit; plus strand). Cytogenetic location: 2q37.1.
Variant type: single nucleotide variant.
Coding change: c.1530C>G on transcript NM_000751.3 (MANE Select); coding-DNA position 1530, C replaced by G.
Protein change: p.Asn510Lys; replaces asparagine 510 with lysine.
Molecular consequence: missense variant.
Genome position (GRCh38, 1-based): chr2:232,535,288, C>G. VCF-style: chr2-232535288-C-G. GRCh37 (hg19) VCF-style: chr2-233399998-C-G.
Other names: c.1485C>G, p.Asn495Lys (NM_001256657.2); c.948C>G, p.Asn316Lys (NM_001311195.2); c.1227C>G, p.Asn409Lys (NM_001311196.2); short protein forms N409K, N495K, N510K, N316K.
Identifiers: ClinVar variation 1411242 (VCV001411242.8), dbSNP rs114463490, ClinGen allele CA351006221.

ClinVar aggregate classification (germline): Uncertain significance (1 of 4 stars; one submission).

Conditions:
Lethal multiple pterygium syndrome (LMPS). Identifiers: Orphanet 33108, MedGen C1854678, MONDO:0009668, OMIM 253290.

gnomAD v4.1: 2 of 1,613,960 alleles (0.00012%); highest among the groups gnomAD compares: South Asian, 0.0022%; no homozygotes.

Submission:

Labcorp Genetics (formerly Invitae), Labcorp
Classification: Uncertain significance for Lethal multiple pterygium syndrome. Last evaluated: 2021-08-05. Review status: criteria provided, single submitter. Criteria: Invitae Variant Classification Sherloc (09022015). Collection method: clinical testing. Allele origin: germline.
Comment: This sequence change replaces asparagine with lysine at codon 510 of the CHRND protein (p.Asn510Lys). The asparagine residue is weakly conserved and there is a moderate physicochemical difference between asparagine and lysine. This variant is not present in population databases (ExAC no frequency). This variant has not been reported in the literature in individuals affected with CHRND-related conditions. Advanced modeling of protein sequence and biophysical properties (such as structural, functional, and spatial information, amino acid conservation, physicochemical variation, residue mobility, and thermodynamic stability) performed at Invitae indicates that this missense variant is not expected to disrupt CHRND protein function. Algorithms developed to predict the effect of sequence changes on RNA splicing suggest that this variant may create or strengthen a splice site. In summary, the available evidence is currently insufficient to determine the role of this variant in disease. Therefore, it has been classified as a Variant of Uncertain Significance.